The following is an entry in ClinVar:

NM_001360016.2(G6PD):c.73G>T (p.Ala25Ser)

Genes: G6PD (glucose-6-phosphate dehydrogenase; minus strand), IKBKG (inhibitor of nuclear factor kappa B kinase regulatory subunit gamma; plus strand). Cytogenetic location: Xq28.
Variant type: single nucleotide variant.
Coding change: c.73G>T on transcript NM_001360016.2 (MANE Select); coding-DNA position 73, G replaced by T.
Protein change: p.Ala25Ser; replaces alanine 25 with serine.
Molecular consequence: missense variant. On other transcripts: intron variant (4).
Genome position (GRCh38, 1-based): chrX:154,546,083, C>A on the plus strand (G>T on the coding strand, the complement: G6PD is on the minus strand). VCF-style: chrX-154546083-C-A. GRCh37 (hg19) VCF-style: chrX-153774298-C-A.
Other names: c.163G>T, p.Ala55Ser (NM_000402.4); c.73G>T, p.Ala25Ser (NM_001042351.3); c.-16+4692C>A (NM_001377312.1, NM_001377313.1); c.189+3631C>A (NM_001099856.6); c.-16+3696C>A (NM_001321396.3); short protein forms A25S, A55S.
Identifiers: ClinVar variation 1720330 (VCV001720330.6), dbSNP rs782195369, ClinGen allele CA415202203.

ClinVar aggregate classification (germline): Uncertain significance (1 of 4 stars; one submission).

Conditions:
Anemia, nonspherocytic hemolytic, due to G6PD deficiency (CNSHA1). Also called: ANEMIA, CONGENITAL, NONSPHEROCYTIC HEMOLYTIC, 1; Class I glucose-6-phosphate dehydrogenase deficiency; Favism, susceptibility to; Hemolytic anemia due to G6PD deficiency. Identifiers: Orphanet 466026, MedGen C2720289, MONDO:0010480, OMIM 300908.

Allele frequency attached by ClinVar (database versions not stated): TOPMed 0.00001.

Submission:

Labcorp Genetics (formerly Invitae), Labcorp
Classification: Uncertain significance for Anemia, nonspherocytic hemolytic, due to G6PD deficiency. Last evaluated: 2022-09-25. Review status: criteria provided, single submitter. Criteria: Invitae Variant Classification Sherloc (09022015). Collection method: clinical testing. Allele origin: germline.
Comment: This sequence change replaces alanine, which is neutral and non-polar, with serine, which is neutral and polar, at codon 25 of the G6PD protein (p.Ala25Ser). This variant is not present in population databases (gnomAD no frequency). This variant has not been reported in the literature in individuals affected with G6PD-related conditions. Algorithms developed to predict the effect of missense changes on protein structure and function (SIFT, PolyPhen-2, Align-GVGD) all suggest that this variant is likely to be tolerated. In summary, the available evidence is currently insufficient to determine the role of this variant in disease. Therefore, it has been classified as a Variant of Uncertain Significance.